The following is an entry in ClinVar:

ClinVar aggregate classification (germline): Uncertain significance. Review status: criteria provided, multiple submitters, no conflicts (2 of 4 stars). 3 submissions from 3 submitters: Uncertain significance (3). Last evaluated 2025-06-12.

Conditions:
Inborn genetic diseases. Identifiers: MedGen C0950123, MeSH D030342.

Allele frequency attached by ClinVar (database versions not stated): TOPMed 0.00001.
gnomAD v4.1: 10 of 1,613,404 alleles (0.00062%); highest among the groups gnomAD compares: African/African-American, 0.004%; no homozygotes.

Submissions (3):

Labcorp Genetics (formerly Invitae), Labcorp
Classification: Uncertain significance. Last evaluated: 2025-06-12. Review status: criteria provided, single submitter. Criteria: Invitae Variant Classification Sherloc (09022015). Collection method: clinical testing. Allele origin: germline.
Comment: This sequence change replaces arginine, which is basic and polar, with cysteine, which is neutral and slightly polar, at codon 1295 of the ITGB4 protein (p.Arg1295Cys). This variant is present in population databases (no rsID available, gnomAD 0.003%). This variant has not been reported in the literature in individuals affected with ITGB4-related conditions. ClinVar contains an entry for this variant (Variation ID: 1905269). Invitae Evidence Modeling of protein sequence and biophysical properties (such as structural, functional, and spatial information, amino acid conservation, physicochemical variation, residue mobility, and thermodynamic stability) indicates that this missense variant is not expected to disrupt ITGB4 protein function with a negative predictive value of 80%. In summary, the available evidence is currently insufficient to determine the role of this variant in disease. Therefore, it has been classified as a Variant of Uncertain Significance.

Blueprint Genetics
Classification: Uncertain significance. Last evaluated: 2023-10-20. Review status: criteria provided, single submitter. Criteria: ACMG Guidelines, 2015. Collection method: clinical testing. Allele origin: germline.

Ambry Genetics
Classification: Uncertain significance for Inborn genetic diseases. Last evaluated: 2023-05-17. Review status: criteria provided, single submitter. Criteria: Ambry Variant Classification Scheme 2023. Collection method: clinical testing. Allele origin: germline.

NM_000213.5(ITGB4):c.3883C>T (p.Arg1295Cys)

Genes: GALK1 (galactokinase 1; minus strand), ITGB4 (integrin subunit beta 4; plus strand). Cytogenetic location: 17q25.1.
Variant type: single nucleotide variant.
Coding change: c.3883C>T on transcript NM_000213.5 (MANE Select); coding-DNA position 3883, C replaced by T.
Protein change: p.Arg1295Cys; replaces arginine 1295 with cysteine.
Molecular consequence: missense variant. On other transcripts: intron variant (1).
Genome position (GRCh38, 1-based): chr17:75,752,263, C>T. VCF-style: chr17-75752263-C-T. GRCh37 (hg19) VCF-style: chr17-73748344-C-T.
Other names: c.3883C>T, p.Arg1295Cys (NM_001005619.2, NM_001005731.3, NM_001321123.2 and 1 more transcripts); c.*23-526G>A (NM_001381985.1); short protein forms R1295C.
Identifiers: ClinVar variation 1905269 (VCV001905269.5), dbSNP rs1299861287, ClinGen allele CA401079719.